The following is an entry in ClinVar:

ClinVar aggregate classification (germline): Uncertain significance (1 of 4 stars; one submission).

Conditions:
Transcobalamin I deficiency (TCN1D). Also called: COBALAMIN PSEUDODEFICIENCY DUE TO TRANSCOBALAMIN DEFICIENCY; COBALAMIN R BINDER PROTEIN DEFICIENCY; TCN1 DEFICIENCY. Identifiers: Orphanet 2967, MedGen C0342700, MONDO:0008659, OMIM 193090.

Allele frequency attached by ClinVar (database versions not stated): gnomAD exomes 0.00001.
gnomAD v4.1: 4 of 1,613,948 alleles (0.00025%); highest among the groups gnomAD compares: East Asian, 0.0045%; no homozygotes.

Submission:

Labcorp Genetics (formerly Invitae), Labcorp
Classification: Uncertain significance for Transcobalamin I deficiency. Last evaluated: 2022-12-22. Review status: criteria provided, single submitter. Criteria: Invitae Variant Classification Sherloc (09022015). Collection method: clinical testing. Allele origin: germline.
Comment: This sequence change replaces methionine, which is neutral and non-polar, with threonine, which is neutral and polar, at codon 43 of the TCN1 protein (p.Met43Thr). This variant is not present in population databases (gnomAD no frequency). This variant has not been reported in the literature in individuals affected with TCN1-related conditions. ClinVar contains an entry for this variant (Variation ID: 1715456). Algorithms developed to predict the effect of missense changes on protein structure and function are either unavailable or do not agree on the potential impact of this missense change (SIFT: "Deleterious"; PolyPhen-2: "Probably Damaging"; Align-GVGD: "Class C0"). In summary, the available evidence is currently insufficient to determine the role of this variant in disease. Therefore, it has been classified as a Variant of Uncertain Significance.

NM_001062.4(TCN1):c.128T>C (p.Met43Thr)

Gene: TCN1 (transcobalamin 1; minus strand). Cytogenetic location: 11q12.1.
Variant type: single nucleotide variant.
Coding change: c.128T>C on transcript NM_001062.4 (MANE Select); coding-DNA position 128, T replaced by C.
Protein change: p.Met43Thr; replaces methionine 43 with threonine.
Molecular consequence: missense variant.
Genome position (GRCh38, 1-based): chr11:59,864,038, A>G on the plus strand (T>C on the coding strand, the complement: TCN1 is on the minus strand). VCF-style: chr11-59864038-A-G. GRCh37 (hg19) VCF-style: chr11-59631511-A-G.
Other names: short protein forms M43T.
Identifiers: ClinVar variation 1715456 (VCV001715456.5), dbSNP rs1457810800, ClinGen allele CA380809466.